The following is an entry in ClinVar:

ClinVar aggregate classification (germline): Uncertain significance. Review status: criteria provided, multiple submitters, no conflicts (2 of 4 stars). 2 submissions from 2 submitters: Uncertain significance (2). Last evaluated 2025-08-04.

gnomAD v4.1: 26 of 1,613,964 alleles (0.0016%); highest among the groups gnomAD compares: African/African-American, 0.033%; no homozygotes.

Submissions (2):

Ambry Genetics
Classification: Uncertain significance. Last evaluated: 2025-08-04. Review status: criteria provided, single submitter. Criteria: Ambry Variant Classification Scheme 2023. Collection method: clinical testing. Allele origin: germline.

Labcorp Genetics (formerly Invitae), Labcorp
Classification: Uncertain significance. Last evaluated: 2025-05-17. Review status: criteria provided, single submitter. Criteria: Invitae Variant Classification Sherloc (09022015). Collection method: clinical testing. Allele origin: germline.
Comment: This sequence change replaces isoleucine, which is neutral and non-polar, with threonine, which is neutral and polar, at codon 909 of the DSTYK protein (p.Ile909Thr). This variant is present in population databases (rs144574659, gnomAD 0.07%), and has an allele count higher than expected for a pathogenic variant. This variant has not been reported in the literature in individuals affected with DSTYK-related conditions. ClinVar contains an entry for this variant (Variation ID: 3706519). An algorithm developed to predict the effect of missense changes on protein structure and function (PolyPhen-2) suggests that this variant is likely to be tolerated. In summary, the available evidence is currently insufficient to determine the role of this variant in disease. Therefore, it has been classified as a Variant of Uncertain Significance.

NM_015375.3(DSTYK):c.2726T>C (p.Ile909Thr)

Gene: DSTYK (dual serine/threonine and tyrosine protein kinase; minus strand). Cytogenetic location: 1q32.1.
Variant type: single nucleotide variant.
Coding change: c.2726T>C on transcript NM_015375.3 (MANE Select); coding-DNA position 2726, T replaced by C.
Protein change: p.Ile909Thr; replaces isoleucine 909 with threonine.
Molecular consequence: missense variant.
Genome position (GRCh38, 1-based): chr1:205,147,622, A>G on the plus strand (T>C on the coding strand, the complement: DSTYK is on the minus strand). VCF-style: chr1-205147622-A-G. GRCh37 (hg19) VCF-style: chr1-205116750-A-G.
Other names: c.2726T>C (NM_015375.2); c.2591T>C, p.Ile864Thr (NM_199462.3); short protein forms I864T, I909T.
Identifiers: ClinVar variation 3706519 (VCV003706519.3).